The following is an entry in ClinVar:

NM_005634.3(SOX3):c.1032_1091del (p.Ala345_Ala364del)

Gene: SOX3 (SRY-box transcription factor 3; minus strand). Cytogenetic location: Xq27.1.
Variant type: Deletion.
Coding change: c.1032_1091del on transcript NM_005634.3 (MANE Select); coding-DNA positions 1032 to 1091, 60 bases deleted.
Protein change: p.Ala345_Ala364del.
Molecular consequence: inframe deletion.
Genome position (GRCh38, 1-based): chrX:140,503,970-140,504,029, 60 bases deleted. GRCh37 (hg19): chrX:139,586,143-139,586,202.
Identifiers: ClinVar variation 5007511 (VCV005007511.2).

ClinVar aggregate classification (germline): Uncertain significance (1 of 4 stars; one submission).

Conditions:
Intellectual developmental disorder, X-linked, with panhypopituitarism. Also called: Intellectual disability, X-linked, with panhypopituitarism. Identifiers: MedGen C2678223, MONDO:0010252, OMIM 300123.
Panhypopituitarism, X-linked (PHPX). Also called: PITUITARY DWARFISM IV. Identifiers: MedGen C0342376, MONDO:0010712, OMIM 312000.

Submission:

Juno Genomics, Hangzhou Juno Genomics, Inc
Classification: Uncertain significance for Intellectual developmental disorder, X-linked, with panhypopituitarism; Panhypopituitarism, X-linked. Review status: criteria provided, single submitter. Criteria: ACMG Guidelines, 2015. Collection method: clinical testing. Allele origin: germline.
Comment: Protein length changes due to in-frame deletions/insertions in a non-repeat region or stop-loss variants.;Absent from controls (or at extremely low frequency if recessive) in Genome Aggregation Database.